The following is an entry in ClinVar:

NM_000612.6(IGF2):c.13A>G (p.Met5Val)

Genes: IGF2 (insulin like growth factor 2; minus strand), INS-IGF2 (INS-IGF2 readthrough; minus strand). Cytogenetic location: 11p15.5.
Variant type: single nucleotide variant.
Coding change: c.13A>G on transcript NM_000612.6 (MANE Select); coding-DNA position 13, A replaced by G.
Protein change: p.Met5Val; replaces methionine 5 with valine.
Molecular consequence: missense variant. On other transcripts: non-coding transcript variant (1).
Genome position (GRCh38, 1-based): chr11:2,135,511, T>C on the plus strand (A>G on the coding strand, the complement: IGF2 is on the minus strand). VCF-style: chr11-2135511-T-C. GRCh37 (hg19) VCF-style: chr11-2156741-T-C.
Other names: c.13A>G, p.Met5Val (NM_001007139.6, NM_001291861.3, NM_001291862.3); c.181A>G, p.Met61Val (NM_001127598.3); short protein forms M5V, M61V.
Identifiers: ClinVar variation 3528037 (VCV003528037.2).

ClinVar aggregate classification (germline): Uncertain significance. Review status: criteria provided, multiple submitters, no conflicts (2 of 4 stars). 2 submissions from 2 submitters: Uncertain significance (2). Last evaluated 2026-01-12.

Conditions:
Silver-Russell syndrome 3 (SRS3). Also called: Growth restriction, severe, with distinctive facies. Identifiers: MedGen C4225307, MONDO:0014663, OMIM 616489.
Inborn genetic diseases. Identifiers: MedGen C0950123, MeSH D030342.

gnomAD v4.1: 9 of 1,613,274 alleles (0.00056%); highest among the groups gnomAD compares: South Asian, 0.0011%; no homozygotes.

Submissions (2):

Victorian Clinical Genetics Services, Murdoch Childrens Research Institute
Classification: Uncertain significance for Silver-Russell syndrome 3. Last evaluated: 2026-01-12. Review status: criteria provided, single submitter. Criteria: ACMG Guidelines, 2015. Collection method: clinical testing. Allele origin: germline. Affected: yes.
Comment: This variant is classified as VUS-3C. Evidence in support of pathogenic classification: Variant is present in gnomAD <0.001 for a dominant condition (v4: 9 heterozygote(s), 0 homozygote(s)). Evidence in support of benign classification: Missense variant predicted to be tolerated by in silico tool(s) or not conserved in placental mammals with a minor amino acid change. Additional information: Variant is predicted to result in a missense amino acid change from Met to Val; This variant is heterozygous; This gene is associated with autosomal dominant disease; Alternative amino acid change(s) at the same position are present in gnomAD (highest allele count: v4: 6 heterozygote(s), 0 homozygote(s)); Previous evidence of pathogenicity for this variant is inconclusive. This variant has been classified as a VUS by a clinical laboratory in ClinVar; No published evidence of segregation with disease has been identified for this variant; No published functional evidence has been identified for this variant; No comparable missense variants have previous evidence for pathogenicity; Variant is not located in an established domain, motif, hotspot or informative constraint region; Loss of function is a known mechanism of disease in this gene and is associated with Silver-Russell syndrome 3 (MIM#616489); This gene is known to be imprinted. This gene is known to be maternally imprinted, only the paternal allele is expressed (OMIM, PMID: 20301499).

Ambry Genetics
Classification: Uncertain significance for Inborn genetic diseases. Last evaluated: 2024-10-09. Review status: criteria provided, single submitter. Criteria: Ambry Variant Classification Scheme 2023. Collection method: clinical testing. Allele origin: germline.

Literature cited by the submitters: PubMed 20301499 (cited by Victorian Clinical Genetics Services, Murdoch Childrens Research Institute).